The following is an entry in ClinVar:

NM_020458.4(TTC7A):c.989A>G (p.Tyr330Cys)

Gene: TTC7A (tetratricopeptide repeat domain 7A; plus strand). Cytogenetic location: 2p21.
Variant type: single nucleotide variant.
Coding change: c.989A>G on transcript NM_020458.4 (MANE Select); coding-DNA position 989, A replaced by G.
Protein change: p.Tyr330Cys; replaces tyrosine 330 with cysteine.
Molecular consequence: missense variant. On other transcripts: intron variant (1).
Genome position (GRCh38, 1-based): chr2:46,994,502, A>G. VCF-style: chr2-46994502-A-G. GRCh37 (hg19) VCF-style: chr2-47221641-A-G.
Other names: c.989A>G, p.Tyr330Cys (NM_001288951.2); c.887A>G, p.Tyr296Cys (NM_001288953.2); c.-61-634A>G (NM_001288955.2); short protein forms Y296C, Y330C.
Identifiers: ClinVar variation 999485 (VCV000999485.7), dbSNP rs745812496, ClinGen allele CA1647424.

ClinVar aggregate classification (germline): Uncertain significance (1 of 4 stars; one submission).

Conditions:
Multiple gastrointestinal atresias. Also called: FAMILIAL INTESTINAL POLYATRESIA SYNDROME; Multiple intestinal atresia. Identifiers: Orphanet 2300, MedGen C0220744, MONDO:0009465.

Allele frequency attached by ClinVar (database versions not stated): TOPMed below 0.00001; gnomAD exomes 0.00002; ExAC 0.00003.
gnomAD v4.1: 13 of 1,613,952 alleles (0.00081%); highest among the groups gnomAD compares: South Asian, 0.011%; no homozygotes.

Submission:

Labcorp Genetics (formerly Invitae), Labcorp
Classification: Uncertain significance for Multiple gastrointestinal atresias. Last evaluated: 2020-02-11. Review status: criteria provided, single submitter. Criteria: Invitae Variant Classification Sherloc (09022015). Collection method: clinical testing. Allele origin: germline.
Comment: In summary, the available evidence is currently insufficient to determine the role of this variant in disease. Therefore, it has been classified as a Variant of Uncertain Significance. Algorithms developed to predict the effect of missense changes on protein structure and function are either unavailable or do not agree on the potential impact of this missense change (SIFT: "Tolerated"; PolyPhen-2: "Probably Damaging"; Align-GVGD: "Class C0"). This variant has not been reported in the literature in individuals with TTC7A-related conditions. This variant is present in population databases (rs745812496, ExAC 0.02%). This sequence change replaces tyrosine with cysteine at codon 330 of the TTC7A protein (p.Tyr330Cys). The tyrosine residue is moderately conserved and there is a large physicochemical difference between tyrosine and cysteine.